The following is an entry in ClinVar:

NM_005228.5(EGFR):c.2101C>T (p.Gln701Ter)

Gene: EGFR (epidermal growth factor receptor; plus strand). Cytogenetic location: 7p11.2.
Variant type: single nucleotide variant.
Coding change: c.2101C>T on transcript NM_005228.5 (MANE Select); coding-DNA position 2101, C replaced by T.
Protein change: p.Gln701Ter; replaces glutamine 701 with a stop codon.
Molecular consequence: nonsense.
Genome position (GRCh38, 1-based): chr7:55,173,960, C>T. VCF-style: chr7-55173960-C-T. GRCh37 (hg19) VCF-style: chr7-55241653-C-T.
Other names: c.1966C>T, p.Gln656Ter (NM_001346897.2, NM_001346899.2); c.2101C>T, p.Gln701Ter (NM_001346898.2); c.1942C>T, p.Gln648Ter (NM_001346900.2); c.1300C>T, p.Gln434Ter (NM_001346941.2); short protein forms Q656*, Q434*, Q648*, Q701*.
Identifiers: ClinVar variation 4842914 (VCV004842914.1).

ClinVar aggregate classification (germline): Uncertain significance (1 of 4 stars; one submission).

Conditions:
Hereditary cancer-predisposing syndrome. Also called: Neoplastic Syndromes, Hereditary; Tumor predisposition; Hereditary Cancer Syndrome; Hereditary neoplastic syndrome. Identifiers: Orphanet 140162, MedGen C0027672, MeSH D009386, MONDO:0015356.

Submission:

Ambry Genetics
Classification: Uncertain significance for Hereditary cancer-predisposing syndrome. Last evaluated: 2025-12-31. Review status: criteria provided, single submitter. Criteria: Ambry Variant Classification Scheme 2023. Collection method: clinical testing. Allele origin: germline.
Comment: The p.Q701* variant (also known as c.2101C>T), located in coding exon 18 of the EGFR gene, results from a C to T substitution at nucleotide position 2101. This changes the amino acid from a glutamine to a stop codon within coding exon 18. This alteration is expected to result in loss of function by premature protein truncation or nonsense-mediated mRNA decay. Although biallelic loss of function of EGFR are known to cause EGFR-related neonatal inflammatory skin and bowel disease, such associations with EGFR-related lung cancer have not been reported. Based on the supporting evidence, this variant is expected to be causative of EGFR-related neonatal inflammatory skin and bowel disease when present along with a second pathogenic variant on the other allele; however, its clinical significance for EGFR-related lung cancer is unclear.